The following is an entry in ClinVar:

ClinVar aggregate classification (germline): Benign (0 of 4 stars; one submission).

Conditions:
ERC1-related disorder. Also called: ERC1-related condition.

Allele frequency attached by ClinVar (database versions not stated): gnomAD exomes 0.00045; ExAC 0.00140; gnomAD 0.00433; TOPMed 0.00498; ESP Exome Variant Server 0.00531; 1000 Genomes Project 0.00539; 1000 Genomes Project 30x 0.00547.
gnomAD v4.1: 1,320 of 1,613,592 alleles (0.082%); highest among the groups gnomAD compares: African/African-American, 1.6%; 11 homozygotes.

Submission:

PreventionGenetics, part of Exact Sciences
Classification: Benign for ERC1-related condition. Last evaluated: 2019-02-21. Review status: no assertion criteria provided. Collection method: clinical testing. Allele origin: germline.
Comment: This variant is classified as benign based on ACMG/AMP sequence variant interpretation guidelines (Richards et al. 2015 PMID: 25741868, with internal and published modifications).

NM_178040.4(ERC1):c.1885A>G (p.Ile629Val)

Gene: ERC1 (ELKS/RAB6-interacting/CAST family member 1; plus strand). Cytogenetic location: 12p13.33.
Variant type: single nucleotide variant.
Coding change: c.1885A>G on transcript NM_178040.4 (MANE Select); coding-DNA position 1885, A replaced by G.
Protein change: p.Ile629Val; replaces isoleucine 629 with valine.
Molecular consequence: missense variant. On other transcripts: non-coding transcript variant (3).
Genome position (GRCh38, 1-based): chr12:1,181,934, A>G. VCF-style: chr12-1181934-A-G. GRCh37 (hg19) VCF-style: chr12-1291100-A-G.
Other names: c.1885A>G, p.Ile629Val (NM_001301248.1); c.1801A>G, p.Ile601Val (NM_015064.2, NM_178037.1, NM_178039.4); short protein forms I601V, I629V.
Identifiers: ClinVar variation 3053450 (VCV003053450.2), dbSNP rs141757454, ClinGen allele CA6384582.